The following is an entry in ClinVar:

NM_001376.5(DYNC1H1):c.4185+14_4185+16dup

Gene: DYNC1H1 (dynein cytoplasmic 1 heavy chain 1; plus strand). Cytogenetic location: 14q32.31.
Variant type: Duplication.
Coding change: c.4185+14_4185+16dup on transcript NM_001376.5 (MANE Select); bases 14 to 16 of the intron after coding-DNA position 4185, 3 bases duplicated (ATC; older notation c.4185+14_4185+16dupATC).
Molecular consequence: intron variant.
Genome position (GRCh38, 1-based): chr14:102,001,078-102,001,080, ATC duplicated. VCF-style (leftmost placement, unchanged base first): chr14-102001077-T-TATC. GRCh37 (hg19) VCF-style: chr14-102467414-T-TATC.
Other names: c.4185+14_4185+16dupATC (NM_001376.4).
Identifiers: ClinVar variation 1646180 (VCV001646180.9), dbSNP rs770371938, ClinGen allele CA7352183.

ClinVar aggregate classification (germline): Likely benign. Review status: criteria provided, multiple submitters, no conflicts (2 of 4 stars). 2 submissions from 2 submitters: Likely benign (2). Last evaluated 2025-05-26.

Conditions:
DYNC1H1-related disorder. Also called: DYNC1H1-related condition; DYNC1H1-related disorders. Identifiers: MedGen CN381529.
Charcot-Marie-Tooth disease axonal type 2O. Also called: CHARCOT-MARIE-TOOTH NEUROPATHY, AXONAL, TYPE 2O; CHARCOT-MARIE-TOOTH DISEASE, AXONAL, AUTOSOMAL DOMINANT, TYPE 2O; Charcot-Marie-Tooth Neuropathy Type 2O; Charcot-Marie-Tooth disease, axonal, type 20. Identifiers: Orphanet 284232, MedGen C3280220, MONDO:0013644, OMIM 614228.

Allele frequency attached by ClinVar (database versions not stated): gnomAD exomes below 0.00001 and 0.00001; ExAC 0.00001; gnomAD 0.00001 and 0.00003; TOPMed 0.00002.

Submissions (2):

PreventionGenetics, part of Exact Sciences
Classification: Likely benign for DYNC1H1-related condition. Last evaluated: 2025-05-26. Review status: criteria provided, single submitter. Criteria: ACMG Guidelines, 2015. Collection method: clinical testing. Allele origin: germline.
Comment: This variant is classified as likely benign based on ACMG/AMP sequence variant interpretation guidelines (Richards et al. 2015 PMID: 25741868, with internal and published modifications).

Labcorp Genetics (formerly Invitae), Labcorp
Classification: Likely benign for Charcot-Marie-Tooth disease axonal type 2O. Last evaluated: 2024-07-10. Review status: criteria provided, single submitter. Criteria: Invitae Variant Classification Sherloc (09022015). Collection method: clinical testing. Allele origin: germline.